The following is an entry in ClinVar:

ClinVar aggregate classification (germline): Uncertain significance. Review status: criteria provided, multiple submitters, no conflicts (2 of 4 stars). 3 submissions from 3 submitters: Uncertain significance (3). Last evaluated 2024-05-01.

Conditions:
Inborn genetic diseases. Identifiers: MedGen C0950123, MeSH D030342.
Lymphatic malformation 6 (LMPHM6). Also called: PIEZO1-related generalized lymphatic dysplasia with non-immune hydrops fetalis; GENERALIZED LYMPHATIC DYSPLASIA OF FOTIOU; Lymphedema, hereditary, III. Identifiers: Orphanet 568062, MedGen C4225184, MONDO:0014797, OMIM 616843.

Allele frequency attached by ClinVar (database versions not stated): gnomAD exomes 0.00001; TOPMed 0.00002; gnomAD 0.00003.

Submissions (3):

CeGaT Center for Human Genetics Tuebingen
Classification: Uncertain significance. Last evaluated: 2024-05-01. Review status: criteria provided, single submitter. Criteria: CeGaT Center For Human Genetics Tuebingen Variant Classification Criteria Version 2. Collection method: clinical testing. Allele origin: germline. Affected: yes. Observed: 1 variant allele.
Comment: PIEZO1: PM2, BP4

Ambry Genetics
Classification: Uncertain significance for Inborn genetic diseases. Last evaluated: 2023-12-15. Review status: criteria provided, single submitter. Criteria: Ambry Variant Classification Scheme 2023. Collection method: clinical testing. Allele origin: germline.

Baylor Genetics
Classification: Uncertain significance for Lymphatic malformation 6. Last evaluated: 2020-06-10. Review status: criteria provided, single submitter. Criteria: ACMG Guidelines, 2015. Collection method: clinical testing. Allele origin: unknown. Affected: yes.
Comment: This variant was determined to be of uncertain significance according to ACMG Guidelines, 2015 [PMID:25741868].

NM_001142864.4(PIEZO1):c.2401C>T (p.Arg801Cys)

Genes: PIEZO1 (piezo type mechanosensitive ion channel component 1 (Er blood group); minus strand), HSALR1 (HSP90AB1 associated lncRNA 1; plus strand). Cytogenetic location: 16q24.3.
Variant type: single nucleotide variant.
Coding change: c.2401C>T on transcript NM_001142864.4 (MANE Select); coding-DNA position 2401, C replaced by T.
Protein change: p.Arg801Cys; replaces arginine 801 with cysteine.
Molecular consequence: missense variant.
Genome position (GRCh38, 1-based): chr16:88,733,674, G>A on the plus strand (C>T on the coding strand, the complement: PIEZO1 is on the minus strand). VCF-style: chr16-88733674-G-A. GRCh37 (hg19) VCF-style: chr16-88800082-G-A.
Other names: short protein forms R801C.
Identifiers: ClinVar variation 1030205 (VCV001030205.21), dbSNP rs1021969177, ClinGen allele CA286422806.